The following is an entry in ClinVar:

ClinVar aggregate classification (germline): Uncertain significance. Review status: criteria provided, multiple submitters, no conflicts (2 of 4 stars). 2 submissions from 2 submitters: Uncertain significance (2). Last evaluated 2023-05-06.

Conditions:
Hereditary cancer-predisposing syndrome. Also called: Hereditary neoplastic syndrome; Hereditary Cancer Syndrome; Tumor predisposition; Neoplastic Syndromes, Hereditary. Identifiers: Orphanet 140162, MedGen C0027672, MeSH D009386, MONDO:0015356.

Submissions (2):

Ambry Genetics
Classification: Uncertain significance for Hereditary cancer-predisposing syndrome. Last evaluated: 2023-05-06. Review status: criteria provided, single submitter. Criteria: Ambry Variant Classification Scheme 2023. Collection method: clinical testing. Allele origin: germline.
Comment: The p.H1269Q variant (also known as c.3807T>G), located in coding exon 25 of the RAD50 gene, results from a T to G substitution at nucleotide position 3807. The histidine at codon 1269 is replaced by glutamine, an amino acid with highly similar properties. This amino acid position is conserved. In addition, this alteration is predicted to be deleterious by in silico analysis. Since supporting evidence is limited at this time, the clinical significance of this alteration remains unclear.

Labcorp Genetics (formerly Invitae), Labcorp
Classification: Uncertain significance for Hereditary cancer-predisposing syndrome. Last evaluated: 2022-06-10. Review status: criteria provided, single submitter. Criteria: Invitae Variant Classification Sherloc (09022015). Collection method: clinical testing. Allele origin: germline.
Comment: This variant is not present in population databases (gnomAD no frequency). This sequence change replaces histidine, which is basic and polar, with glutamine, which is neutral and polar, at codon 1269 of the RAD50 protein (p.His1269Gln). This variant has not been reported in the literature in individuals affected with RAD50-related conditions. Algorithms developed to predict the effect of missense changes on protein structure and function are either unavailable or do not agree on the potential impact of this missense change (SIFT: "Deleterious"; PolyPhen-2: "Probably Damaging"; Align-GVGD: "Class C0"). In summary, the available evidence is currently insufficient to determine the role of this variant in disease. Therefore, it has been classified as a Variant of Uncertain Significance.

NM_005732.4(RAD50):c.3807T>G (p.His1269Gln)

Genes: RAD50 (RAD50 double strand break repair protein; plus strand), TH2LCRR (T helper type 2 locus control region associated RNA; minus strand). Cytogenetic location: 5q31.1.
Variant type: single nucleotide variant.
Coding change: c.3807T>G on transcript NM_005732.4 (MANE Select); coding-DNA position 3807, T replaced by G.
Protein change: p.His1269Gln; replaces histidine 1269 with glutamine.
Molecular consequence: missense variant. On other transcripts: non-coding transcript variant (1).
Genome position (GRCh38, 1-based): chr5:132,642,232, T>G. VCF-style: chr5-132642232-T-G. GRCh37 (hg19) VCF-style: chr5-131977924-T-G.
Other names: c.3807T>G (NM_005732.3); short protein forms H1269Q.
Identifiers: ClinVar variation 2004168 (VCV002004168.6), dbSNP rs755777007, ClinGen allele CA360936448.
Genomic context (GRCh38, chr5:132,642,232, plus strand): 5'-TTGCAGGATAATAAAAAGTCGCTCACAGCAGCGTAACTTCCAGCTTCTGGTAATCACTCA[T>G]GATGAAGATTTTGTGGAGCTTTTAGGACGTTCTGAATATGTGGAGAAATTCTACAGGATT-3'
Protein context (NP_005723.2, residues 1259-1279): QRNFQLLVIT[His1269Gln]DEDFVELLGR